The following is an entry in ClinVar:

ClinVar aggregate classification (germline): Uncertain significance (1 of 4 stars; one submission).

Conditions:
Hereditary cancer-predisposing syndrome. Also called: Hereditary Cancer Syndrome; Neoplastic Syndromes, Hereditary; Tumor predisposition; Hereditary neoplastic syndrome. Identifiers: Orphanet 140162, MedGen C0027672, MeSH D009386, MONDO:0015356.

Submission:

Ambry Genetics
Classification: Uncertain significance for Hereditary cancer-predisposing syndrome. Last evaluated: 2016-02-16. Review status: criteria provided, single submitter. Criteria: Ambry Variant Classification Scheme 2023. Collection method: clinical testing. Allele origin: germline.
Comment: The p.P267T variant (also known as c.799C>A), located in coding exon 4 of the MSH6 gene, results from a C to A substitution at nucleotide position 799. The proline at codon 267 is replaced by threonine, an amino acid with highly similar properties. This variant was not reported in population based cohorts in the following databases: Database of Single Nucleotide Polymorphisms (dbSNP), NHLBI Exome Sequencing Project (ESP), and 1000 Genomes Project. In the ESP, this variant was not observed in 6503 samples (13006 alleles) with coverage at this position. To date, this alteration has been detected with an allele frequency of approximately 0.001% (greater than 115000 alleles tested) in our clinical cohort. This amino acid position is highly conserved in available vertebrate species. In addition, this alteration is predicted to be deleterious by in silico analysis. However, the CoDP in silico tool predicts this alteration to have minor impact on molecular function, with a score of 0.001 (Terui H et al. J. Biomed. Sci. 2013;20:25). Since supporting evidence is limited at this time, the clinical significance of this alteration remains unclear.

NM_000179.3(MSH6):c.799C>A (p.Pro267Thr)

Gene: MSH6 (mutS homolog 6; plus strand). Cytogenetic location: 2p16.3.
Variant type: single nucleotide variant.
Coding change: c.799C>A on transcript NM_000179.3 (MANE Select); coding-DNA position 799, C replaced by A.
Protein change: p.Pro267Thr; replaces proline 267 with threonine.
Molecular consequence: missense variant. On other transcripts: 5 prime UTR variant (2).
Genome position (GRCh38, 1-based): chr2:47,798,782, C>A. VCF-style: chr2-47798782-C-A. GRCh37 (hg19) VCF-style: chr2-48025921-C-A.
Other names: c.409C>A, p.Pro137Thr (NM_001281492.2); c.-108C>A (NM_001281493.2, NM_001281494.2); short protein forms P267T, P137T.
Identifiers: ClinVar variation 479886 (VCV000479886.5), dbSNP rs1301670893, ClinGen allele CA346740324.
Genomic context (GRCh38, chr2:47,798,782, plus strand): 5'-AAACGAAGGGTCATATCAGATTCTGAGAGTGACATTGGTGGCTCTGATGTGGAATTTAAG[C>A]CAGACACTAAGGAGGAAGGAAGCAGTGATGAAATAAGCAGTGGAGTGGGGGATAGTGAGA-3'
Protein context (NP_000170.1, residues 257-277): DIGGSDVEFK[Pro267Thr]DTKEEGSSDE